The following is an entry in ClinVar:

NM_001165963.4(SCN1A):c.4153T>C (p.Phe1385Leu)

Genes: SCN1A (sodium voltage-gated channel alpha subunit 1; minus strand), LOC102724058 (uncharacterized LOC102724058; plus strand). Cytogenetic location: 2q24.3.
Variant type: single nucleotide variant.
Coding change: c.4153T>C on transcript NM_001165963.4 (MANE Select); coding-DNA position 4153, T replaced by C.
Protein change: p.Phe1385Leu; replaces phenylalanine 1385 with leucine.
Molecular consequence: missense variant. On other transcripts: non-coding transcript variant (1).
Genome position (GRCh38, 1-based): chr2:166,002,603, A>G on the plus strand (T>C on the coding strand, the complement: SCN1A is on the minus strand). VCF-style: chr2-166002603-A-G. GRCh37 (hg19) VCF-style: chr2-166859113-A-G.
Other names: c.4117T>C, p.Phe1373Leu (NM_001353954.2, NM_001353955.2); c.4069T>C, p.Phe1357Leu (NM_001353957.2, NM_001353958.2, NM_001165964.3); c.4066T>C, p.Phe1356Leu (NM_001353960.2); c.1711T>C, p.Phe571Leu (NM_001353961.2); c.4120T>C, p.Phe1374Leu (NM_006920.6, NM_001353949.2, NM_001353950.2 and 2 more transcripts); c.4153T>C, p.Phe1385Leu (NM_001202435.3, NM_001353948.2); short protein forms F1356L, F1357L, F1373L, F1374L, F1385L, F571L.
Identifiers: ClinVar variation 4534953 (VCV004534953.6).

ClinVar aggregate classification (germline): Uncertain significance (1 of 4 stars; one submission).

gnomAD v4.1: 1 of 1,611,994 alleles (0.000062%); highest among the groups gnomAD compares: South Asian, 0.0011%; no homozygotes.

Submission:

CeGaT Center for Human Genetics Tuebingen
Classification: Uncertain significance. Last evaluated: 2025-10-01. Review status: criteria provided, single submitter. Criteria: CeGaT Center For Human Genetics Tuebingen Variant Classification Criteria Version 2. Collection method: clinical testing. Allele origin: germline. Affected: yes. Observed: 1 variant allele.
Comment: SCN1A: PM1:Supporting, PP2